The following is an entry in ClinVar:

ClinVar aggregate classification (germline): Likely benign. Review status: criteria provided, single submitter (1 of 4 stars). 2 submissions from 2 submitters: Likely benign (1). 1 of the submissions does not count toward it. Last evaluated 2024-12-19.

Conditions:
CACNA1B-related disorder. Also called: CACNA1B-related condition.

Allele frequency attached by ClinVar (database versions not stated): gnomAD exomes 0.00003; ESP Exome Variant Server 0.00008; ExAC 0.00009; gnomAD 0.00015; 1000 Genomes Project 30x 0.00031; 1000 Genomes Project 0.00040.
gnomAD v4.1: 57 of 1,518,176 alleles (0.0038%); highest among the groups gnomAD compares: African/African-American, 0.024%; no homozygotes.

Submissions (2):

Labcorp Genetics (formerly Invitae), Labcorp
Classification: Likely benign. Last evaluated: 2024-12-19. Review status: criteria provided, single submitter. Criteria: Invitae Variant Classification Sherloc (09022015). Collection method: clinical testing. Allele origin: germline.

PreventionGenetics, part of Exact Sciences
Classification: Likely benign for CACNA1B-related condition. Last evaluated: 2019-05-07. Review status: no assertion criteria provided. Collection method: clinical testing. Allele origin: germline. Not counted in ClinVar's aggregate classification.
Comment: This variant is classified as likely benign based on ACMG/AMP sequence variant interpretation guidelines (Richards et al. 2015 PMID: 25741868, with internal and published modifications).

NM_000718.4(CACNA1B):c.6501C>T (p.Ser2167=)

Gene: CACNA1B (calcium voltage-gated channel subunit alpha1 B; plus strand). Cytogenetic location: 9q34.3.
Variant type: single nucleotide variant.
Coding change: c.6501C>T on transcript NM_000718.4 (MANE Select); coding-DNA position 6501, C replaced by T.
Protein change: p.Ser2167=; no amino-acid change (serine 2167 retained).
Molecular consequence: synonymous variant. On other transcripts: intron variant (1).
Genome position (GRCh38, 1-based): chr9:138,121,480, C>T. VCF-style: chr9-138121480-C-T. GRCh37 (hg19) VCF-style: chr9-141015932-C-T.
Other names: c.6501C>T (NM_000718.3); c.6490-176C>T (NM_001243812.2).
Identifiers: ClinVar variation 2148950 (VCV002148950.6), dbSNP rs201354531, ClinGen allele CA5377746.